The following is an entry in ClinVar:

ClinVar aggregate classification (germline): Uncertain significance. Review status: criteria provided, multiple submitters, no conflicts (2 of 4 stars). 2 submissions from 2 submitters: Uncertain significance (2). Last evaluated 2026-02-05.

Submissions (2):

GeneDx
Classification: Uncertain significance. Last evaluated: 2026-02-05. Review status: criteria provided, single submitter. Criteria: GeneDx Variant Classification Process June 2021. Collection method: clinical testing. Allele origin: germline. Affected: yes.
Comment: Not observed at significant frequency in large population cohorts (gnomAD); In silico analysis supports a deleterious effect on protein structure/function; Has not been previously published as pathogenic or benign to our knowledge

Labcorp Genetics (formerly Invitae), Labcorp
Classification: Uncertain significance. Last evaluated: 2022-03-17. Review status: criteria provided, single submitter. Criteria: Invitae Variant Classification Sherloc (09022015). Collection method: clinical testing. Allele origin: germline.
Comment: In summary, the available evidence is currently insufficient to determine the role of this variant in disease. Therefore, it has been classified as a Variant of Uncertain Significance. Algorithms developed to predict the effect of missense changes on protein structure and function are either unavailable or do not agree on the potential impact of this missense change (SIFT: "Not Available"; PolyPhen-2: "Probably Damaging"; Align-GVGD: "Not Available"). ClinVar contains an entry for this variant (Variation ID: 858745). This variant has not been reported in the literature in individuals affected with USH1G-related conditions. Information on the frequency of this variant in the gnomAD database is not available, as this variant may be reported differently in the database. This sequence change replaces lysine, which is basic and polar, with isoleucine, which is neutral and non-polar, at codon 438 of the USH1G protein (p.Lys438Ile).

NM_173477.5(USH1G):c.1313_1314delinsTC (p.Lys438Ile)

Genes: USH1G (USH1 protein network component sans; minus strand), LOC130061627 (ATAC-STARR-seq lymphoblastoid active region 12722; plus strand). Cytogenetic location: 17q25.1.
Variant type: Indel.
Coding change: c.1313_1314delinsTC on transcript NM_173477.5 (MANE Select); coding-DNA positions 1313 to 1314, AG replaced by TC.
Protein change: p.Lys438Ile; replaces lysine 438 with isoleucine.
Molecular consequence: missense variant.
Genome position (GRCh38, 1-based): chr17:74,919,522-74,919,523, CT replaced by GA on the plus strand (AG replaced by TC on the coding strand, the reverse complement: USH1G is on the minus strand). VCF-style: chr17-74919522-CT-GA. GRCh37 (hg19) VCF-style: chr17-72915617-CT-GA.
Other names: c.1004_1005delinsTC, p.Lys335Ile (NM_001282489.3); short protein forms K438I, K335I.
Identifiers: ClinVar variation 858745 (VCV000858745.8), dbSNP rs2038906028, ClinGen allele CA916083625.